The following is an entry in ClinVar:

ClinVar aggregate classification (germline): Uncertain significance (1 of 4 stars; one submission).

Conditions:
Autosomal dominant nonsyndromic hearing loss 1. Also called: KONIGSMARK SYNDROME; DEAFNESS, AUTOSOMAL DOMINANT 1, WITH OR WITHOUT THROMBOCYTOPENIA. Identifiers: Orphanet 90635, MedGen C1852282, MONDO:0007424, OMIM 124900.
Progressive microcephaly-seizures-cortical blindness-developmental delay syndrome. Also called: Seizures, cortical blindness, and microcephaly syndrome. Identifiers: Orphanet 477814, MedGen C5567650, MONDO:0014714, OMIM 616632.

Submission:

Labcorp Genetics (formerly Invitae), Labcorp
Classification: Uncertain significance for Progressive microcephaly-seizures-cortical blindness-developmental delay syndrome; Autosomal dominant nonsyndromic hearing loss 1. Last evaluated: 2024-03-20. Review status: criteria provided, single submitter. Criteria: Invitae Variant Classification Sherloc (09022015). Collection method: clinical testing. Allele origin: germline.
Comment: This sequence change replaces isoleucine, which is neutral and non-polar, with methionine, which is neutral and non-polar, at codon 383 of the DIAPH1 protein (p.Ile383Met). This variant is not present in population databases (gnomAD no frequency). This variant has not been reported in the literature in individuals affected with DIAPH1-related conditions. Experimental studies and prediction algorithms are not available or were not evaluated, and the functional significance of this variant is currently unknown. In summary, the available evidence is currently insufficient to determine the role of this variant in disease. Therefore, it has been classified as a Variant of Uncertain Significance.

NM_005219.5(DIAPH1):c.1149T>G (p.Ile383Met)

Gene: DIAPH1 (diaphanous related formin 1; minus strand). Cytogenetic location: 5q31.3.
Variant type: single nucleotide variant.
Coding change: c.1149T>G on transcript NM_005219.5 (MANE Select); coding-DNA position 1149, T replaced by G.
Protein change: p.Ile383Met; replaces isoleucine 383 with methionine.
Molecular consequence: missense variant.
Genome position (GRCh38, 1-based): chr5:141,578,239, A>C on the plus strand (T>G on the coding strand, the complement: DIAPH1 is on the minus strand). VCF-style: chr5-141578239-A-C. GRCh37 (hg19) VCF-style: chr5-140957806-A-C.
Other names: c.1122T>G, p.Ile374Met (NM_001079812.3); c.1149T>G, p.Ile383Met (NM_001314007.2); short protein forms I374M, I383M.
Identifiers: ClinVar variation 3755429 (VCV003755429.2).